The following is an entry in ClinVar:

NM_003809.3(TNFSF12):c.189GGA[1] (p.Glu64del)

Genes: TNFSF12 (TNF superfamily member 12; plus strand), TNFSF12-TNFSF13 (TNFSF12-TNFSF13 readthrough; plus strand). Cytogenetic location: 17p13.1.
Variant type: Microsatellite.
Coding change: c.189GGA[1] on transcript NM_003809.3 (MANE Select); one copy of the 3-base unit GGA starting at c.189; the reference has two copies in a row; one copy, 3 bases deleted.
Protein change: p.Glu64del; deletes glutamic acid 64.
Molecular consequence: inframe deletion. On other transcripts: non-coding transcript variant (1).
Genome position (GRCh38, 1-based): chr17:7,549,506-7,549,508, GGA deleted; deleting any 3 consecutive bases within chr17:7,549,501-7,549,508 gives the same sequence; the position shown is the placement nearest the transcript's 3' end. VCF-style (leftmost placement, unchanged base first): chr17-7549500-AGAG-A. GRCh37 (hg19) VCF-style: chr17-7452817-AGAG-A.
Other names: c.189GGA[1], p.Glu64del (NM_172089.4); short protein forms E64del.
Identifiers: ClinVar variation 1436035 (VCV001436035.6), dbSNP rs2150904255, ClinGen allele CA2580614036.

ClinVar aggregate classification (germline): Uncertain significance (1 of 4 stars; one submission).

Conditions:
Common variable immunodeficiency (CVID). Also called: Common variable hypogamma-globulinemia; Common variable agammaglobulinemia. Identifiers: Orphanet 1572, MedGen C0009447, MONDO:0015517.

Submission:

Labcorp Genetics (formerly Invitae), Labcorp
Classification: Uncertain significance for Common variable immunodeficiency. Last evaluated: 2025-04-25. Review status: criteria provided, single submitter. Criteria: Invitae Variant Classification Sherloc (09022015). Collection method: clinical testing. Allele origin: germline.
Comment: This variant, c.192_194del, results in the deletion of 1 amino acid(s) of the TNFSF12 protein (p.Glu64del), but otherwise preserves the integrity of the reading frame. This variant is not present in population databases (gnomAD no frequency). This variant has not been reported in the literature in individuals affected with TNFSF12-related conditions. Experimental studies and prediction algorithms are not available or were not evaluated, and the functional significance of this variant is currently unknown. In summary, the available evidence is currently insufficient to determine the role of this variant in disease. Therefore, it has been classified as a Variant of Uncertain Significance.